The following is an entry in ClinVar:

NM_001242957.3(MAK):c.1046C>T (p.Pro349Leu)

Gene: MAK (male germ cell associated kinase; minus strand). Cytogenetic location: 6p24.2.
Variant type: single nucleotide variant.
Coding change: c.1046C>T on transcript NM_001242957.3 (MANE Select); coding-DNA position 1046, C replaced by T.
Protein change: p.Pro349Leu; replaces proline 349 with leucine.
Molecular consequence: missense variant. On other transcripts: non-coding transcript variant (2).
Genome position (GRCh38, 1-based): chr6:10,796,095, G>A on the plus strand (C>T on the coding strand, the complement: MAK is on the minus strand). VCF-style: chr6-10796095-G-A. GRCh37 (hg19) VCF-style: chr6-10796328-G-A.
Other names: c.1046C>T (NM_005906.4); c.1046C>T, p.Pro349Leu (NM_001242385.2, NM_005906.6); c.944C>T, p.Pro315Leu (NM_001377262.1); short protein forms P315L, P349L.
Identifiers: ClinVar variation 957652 (VCV000957652.8), dbSNP rs371774117, ClinGen allele CA3633572.

ClinVar aggregate classification (germline): Uncertain significance. Review status: criteria provided, multiple submitters, no conflicts (2 of 4 stars). 2 submissions from 2 submitters: Uncertain significance (2). Last evaluated 2025-07-14.

Conditions:
Inborn genetic diseases. Identifiers: MedGen C0950123, MeSH D030342.

Allele frequency attached by ClinVar (database versions not stated): TOPMed 0.00005; gnomAD 0.00006 and 0.00007; ExAC 0.00007; gnomAD exomes 0.00007 and 0.00009; ESP Exome Variant Server 0.00008; 1000 Genomes Project 30x 0.00016; 1000 Genomes Project 0.00020.
gnomAD v4.1: 140 of 1,614,118 alleles (0.0087%); highest among the groups gnomAD compares: Non-Finnish European, 0.011%; 2 homozygotes.

Submissions (2):

Ambry Genetics
Classification: Uncertain significance for Inborn genetic diseases. Last evaluated: 2025-07-14. Review status: criteria provided, single submitter. Criteria: Ambry Variant Classification Scheme 2023. Collection method: clinical testing. Allele origin: germline.

Labcorp Genetics (formerly Invitae), Labcorp
Classification: Uncertain significance. Last evaluated: 2024-10-28. Review status: criteria provided, single submitter. Criteria: Invitae Variant Classification Sherloc (09022015). Collection method: clinical testing. Allele origin: germline.
Comment: This sequence change replaces proline, which is neutral and non-polar, with leucine, which is neutral and non-polar, at codon 349 of the MAK protein (p.Pro349Leu). This variant is present in population databases (rs371774117, gnomAD 0.02%). This variant has not been reported in the literature in individuals affected with MAK-related conditions. ClinVar contains an entry for this variant (Variation ID: 957652). Invitae Evidence Modeling of protein sequence and biophysical properties (such as structural, functional, and spatial information, amino acid conservation, physicochemical variation, residue mobility, and thermodynamic stability) indicates that this missense variant is not expected to disrupt MAK protein function with a negative predictive value of 80%. In summary, the available evidence is currently insufficient to determine the role of this variant in disease. Therefore, it has been classified as a Variant of Uncertain Significance.